The following is an entry in ClinVar:

NM_001165963.4(SCN1A):c.1082G>A (p.Gly361Asp)

Gene: SCN1A (sodium voltage-gated channel alpha subunit 1; minus strand). Cytogenetic location: 2q24.3.
Variant type: single nucleotide variant.
Coding change: c.1082G>A on transcript NM_001165963.4 (MANE Select); coding-DNA position 1082, G replaced by A.
Protein change: p.Gly361Asp; replaces glycine 361 with aspartic acid.
Molecular consequence: missense variant. On other transcripts: 5 prime UTR variant (1), non-coding transcript variant (1).
Genome position (GRCh38, 1-based): chr2:166,047,715, C>T on the plus strand (G>A on the coding strand, the complement: SCN1A is on the minus strand). VCF-style: chr2-166047715-C-T. GRCh37 (hg19) VCF-style: chr2-166904225-C-T.
Other names: c.1082G>A, p.Gly361Asp (NM_001165964.3, NM_001202435.3, NM_001353948.2 and 10 more transcripts); c.-1344G>A (NM_001353961.2); short protein forms G361D.
Identifiers: ClinVar variation 448245 (VCV000448245.4), dbSNP rs1553547528, ClinGen allele CA349071298.

ClinVar aggregate classification (germline): Conflicting classifications of pathogenicity. Review status: criteria provided, conflicting classifications (1 of 4 stars). 2 submissions from 2 submitters: Likely pathogenic (1); Uncertain significance (1). Last evaluated 2023-10-29.

Conditions:
Early-infantile DEE. Also called: Early infantile epileptic encephalopathy; Ohtahara syndrome; Early infantile epileptic encephalopathy with suppression bursts. Identifiers: Orphanet 1934, MedGen C0393706, MONDO:0800491.

Submissions (2):

Labcorp Genetics (formerly Invitae), Labcorp
Classification: Likely pathogenic for Early-infantile DEE. Last evaluated: 2023-10-29. Review status: criteria provided, single submitter. Criteria: Invitae Variant Classification Sherloc (09022015). Collection method: clinical testing. Allele origin: germline.
Comment: This sequence change replaces glycine, which is neutral and non-polar, with aspartic acid, which is acidic and polar, at codon 361 of the SCN1A protein (p.Gly361Asp). This variant is not present in population databases (gnomAD no frequency). This variant has not been reported in the literature in individuals affected with SCN1A-related conditions. ClinVar contains an entry for this variant (Variation ID: 448245). Advanced modeling of protein sequence and biophysical properties (such as structural, functional, and spatial information, amino acid conservation, physicochemical variation, residue mobility, and thermodynamic stability) performed at Invitae indicates that this missense variant is expected to disrupt SCN1A protein function with a positive predictive value of 95%. This variant disrupts the p.361Gly amino acid residue in SCN1A. Other variant(s) that disrupt this residue have been determined to be pathogenic (Invitae). This suggests that this residue is clinically significant, and that variants that disrupt this residue are likely to be disease-causing. In summary, the currently available evidence indicates that the variant is pathogenic, but additional data are needed to prove that conclusively. Therefore, this variant has been classified as Likely Pathogenic.

Athena Diagnostics
Classification: Uncertain significance. Last evaluated: 2016-12-19. Review status: criteria provided, single submitter. Criteria: Athena Diagnostics Criteria. Collection method: clinical testing. Allele origin: germline.